The following is an entry in ClinVar:

NM_000428.3(LTBP2):c.2715C>T (p.Arg905=)

Gene: LTBP2 (latent transforming growth factor beta binding protein 2; minus strand). Cytogenetic location: 14q24.3.
Variant type: single nucleotide variant.
Coding change: c.2715C>T on transcript NM_000428.3 (MANE Select); coding-DNA position 2715, C replaced by T.
Protein change: p.Arg905=; no amino-acid change (arginine 905 retained).
Molecular consequence: synonymous variant.
Genome position (GRCh38, 1-based): chr14:74,521,984, G>A on the plus strand (C>T on the coding strand, the complement: LTBP2 is on the minus strand). VCF-style: chr14-74521984-G-A. GRCh37 (hg19) VCF-style: chr14-74988687-G-A.
Identifiers: ClinVar variation 884794 (VCV000884794.14), dbSNP rs7145480, ClinGen allele CA7269403.
Genomic context (GRCh38, chr14:74,521,984, plus strand): 5'-TGTCGCCCCTGAGGTGGCCAGAGTGTAGCCAGGGTAGCAGAAGCAGGAGTAGGACCCCAC[G>A]CGGTTGATGCAGCGCCCTTTTCCCTTGCAGGGGTCCCTCAGACACTCGTTGTCATCTGAC-3'
Protein context (NP_000419.1, residues 895-915): PCKGKGRCIN[Arg905=]VGSYSCFCYP

ClinVar aggregate classification (germline): Benign/Likely benign. Review status: criteria provided, multiple submitters, no conflicts (2 of 4 stars). 5 submissions from 4 submitters: Benign (2); Likely benign (3). Last evaluated 2026-02-03.

Conditions:
Weill-Marchesani syndrome. Also called: WM Syndrome; Mesodermal dysmorphodystrophy congenital. Identifiers: Orphanet 3449, MedGen C0265313, MONDO:0018096.
Glaucoma 3, primary congenital, D. Identifiers: Orphanet 98976, MedGen C2751316, MONDO:0013122, OMIM 613086.

Allele frequency attached by ClinVar (database versions not stated): 1000 Genomes Project 30x 0.01265; 1000 Genomes Project 0.01278; gnomAD exomes 0.02398 and 0.03232; ExAC 0.02402; ESP Exome Variant Server 0.02491; gnomAD 0.02504 and 0.02571; TOPMed 0.02687.
gnomAD v4.1: 50,899 of 1,614,088 alleles (3.2%); highest among the groups gnomAD compares: Non-Finnish European, 3.7%; 993 homozygotes.

Submissions (5):

Labcorp Genetics (formerly Invitae), Labcorp
Classification: Benign. Last evaluated: 2026-02-03. Review status: criteria provided, single submitter. Criteria: Invitae Variant Classification Sherloc (09022015). Collection method: clinical testing. Allele origin: germline.

GeneDx
Classification: Likely benign. Last evaluated: 2020-11-24. Review status: criteria provided, single submitter. Criteria: GeneDx Variant Classification Process June 2021. Collection method: clinical testing. Allele origin: germline. Affected: yes.

Illumina Laboratory Services, Illumina
Classification: Benign for Weill-Marchesani syndrome. Last evaluated: 2018-01-12. Review status: criteria provided, single submitter. Criteria: ICSL Variant Classification Criteria 13 December 2019. Collection method: clinical testing. Allele origin: germline.
Comment: This variant was observed in the ICSL laboratory as part of a predisposition screen in an ostensibly healthy population. It had not been previously curated by ICSL or reported in the Human Gene Mutation Database (HGMD: prior to June 1st, 2018), and was therefore a candidate for classification through an automated scoring system. Utilizing variant allele frequency, disease prevalence and penetrance estimates, and inheritance mode, an automated score was calculated to assess if this variant is too frequent to cause the disease. Based on the score and internal cut-off values, a variant classified as benign is not then subjected to further curation. The score for this variant resulted in a classification of benign for this disease.

Illumina Laboratory Services, Illumina
Classification: Likely benign for Glaucoma 3, primary congenital, D. Last evaluated: 2018-01-12. Review status: criteria provided, single submitter. Criteria: ICSL Variant Classification Criteria 13 December 2019. Collection method: clinical testing. Allele origin: germline.
Comment: This variant was observed in the ICSL laboratory as part of a predisposition screen in an ostensibly healthy population. It had not been previously curated by ICSL or reported in the Human Gene Mutation Database (HGMD: prior to June 1st, 2018), and was therefore a candidate for classification through an automated scoring system. Utilizing variant allele frequency, disease prevalence and penetrance estimates, and inheritance mode, an automated score was calculated to assess if this variant is too frequent to cause the disease. Based on the score and internal cut-off values, a variant classified as likely benign is not then subjected to further curation. The score for this variant resulted in a classification of likely benign for this disease.

Breakthrough Genomics
Classification: Likely benign. Review status: criteria provided, single submitter. Criteria: ACMG Guidelines, 2015. Collection method: not provided. Allele origin: germline. Inheritance: Autosomal recessive inheritance. Affected: yes.